The following is an entry in ClinVar:

ClinVar aggregate classification (germline): Pathogenic (1 of 4 stars; one submission).

Allele frequency attached by ClinVar (database versions not stated): gnomAD exomes below 0.00001.

Submission:

Labcorp Genetics (formerly Invitae), Labcorp
Classification: Pathogenic. Last evaluated: 2022-05-30. Review status: criteria provided, single submitter. Criteria: Invitae Variant Classification Sherloc (09022015). Collection method: clinical testing. Allele origin: germline.
Comment: This sequence change creates a premature translational stop signal (p.Ile48Serfs*54) in the ACAD9 gene. It is expected to result in an absent or disrupted protein product. Loss-of-function variants in ACAD9 are known to be pathogenic (PMID: 25721401). This variant is not present in population databases (gnomAD no frequency). This variant has not been reported in the literature in individuals affected with ACAD9-related conditions. For these reasons, this variant has been classified as Pathogenic.

Literature cited by the submitters: PubMed 25721401.

NM_014049.5(ACAD9):c.138del (p.Ile48fs)

Gene: ACAD9 (acyl-CoA dehydrogenase family member 9; plus strand). Cytogenetic location: 3q21.3.
Variant type: Deletion.
Coding change: c.138del on transcript NM_014049.5 (MANE Select); coding-DNA position 138, one base deleted (C; older notation c.138delC).
Protein change: p.Ile48fs; shifts the reading frame from isoleucine 48.
Molecular consequence: frameshift variant. On other transcripts: non-coding transcript variant (1).
Genome position (GRCh38, 1-based): chr3:128,879,829, C deleted. VCF-style (leftmost placement, unchanged base first): chr3-128879828-GC-G. GRCh37 (hg19) VCF-style: chr3-128598671-GC-G.
Other names: c.-138delC (NM_001410805.1); short protein forms I48fs.
Identifiers: ClinVar variation 1905941 (VCV001905941.5), dbSNP rs2529221699, ClinGen allele CA2580068760.